The following is an entry in ClinVar:

ClinVar aggregate classification (germline): Conflicting classifications of pathogenicity. Review status: criteria provided, conflicting classifications (1 of 4 stars). 2 submissions from 2 submitters: Uncertain significance (1); Likely benign (1). Last evaluated 2025-12-30.

Allele frequency attached by ClinVar (database versions not stated): gnomAD 0.00001; ExAC 0.00002; gnomAD exomes 0.00003.
gnomAD v4.1: 47 of 1,613,234 alleles (0.0029%); highest among the groups gnomAD compares: Admixed American, 0.01%; no homozygotes.

Submissions (2):

Labcorp Genetics (formerly Invitae), Labcorp
Classification: Uncertain significance. Last evaluated: 2025-12-30. Review status: criteria provided, single submitter. Criteria: Invitae Variant Classification Sherloc (09022015). Collection method: clinical testing. Allele origin: germline.
Comment: This sequence change replaces arginine, which is basic and polar, with histidine, which is basic and polar, at codon 435 of the ZDBF2 protein (p.Arg435His). This variant is present in population databases (rs769572660, gnomAD 0.01%). This variant has not been reported in the literature in individuals affected with ZDBF2-related conditions. ClinVar contains an entry for this variant (Variation ID: 2543550). An algorithm developed to predict the effect of missense changes on protein structure and function outputs the following: PolyPhen-2: "Benign". The histidine amino acid residue is found in multiple mammalian species, which suggests that this missense change does not adversely affect protein function. In summary, the available evidence is currently insufficient to determine the role of this variant in disease. Therefore, it has been classified as a Variant of Uncertain Significance.

Ambry Genetics
Classification: Likely benign. Last evaluated: 2023-05-31. Review status: criteria provided, single submitter. Criteria: Ambry Variant Classification Scheme 2023. Collection method: clinical testing. Allele origin: germline.

NM_020923.3(ZDBF2):c.1304G>A (p.Arg435His)

Gene: ZDBF2 (zinc finger DBF-type containing 2; plus strand). Cytogenetic location: 2q33.3.
Variant type: single nucleotide variant.
Coding change: c.1304G>A on transcript NM_020923.3 (MANE Select); coding-DNA position 1304, G replaced by A.
Protein change: p.Arg435His; replaces arginine 435 with histidine.
Molecular consequence: missense variant.
Genome position (GRCh38, 1-based): chr2:206,305,832, G>A. VCF-style: chr2-206305832-G-A. GRCh37 (hg19) VCF-style: chr2-207170556-G-A.
Other names: c.1298G>A, p.Arg433His (NM_001285549.2); c.1304G>A, p.Arg435His (NM_001369654.1); short protein forms R435H, R433H.
Identifiers: ClinVar variation 2543550 (VCV002543550.3), dbSNP rs769572660, ClinGen allele CA2071831.
Genomic context (GRCh38, chr2:206,305,832, plus strand): 5'-ATTCACTGACTGACCAATCTAAAGTGAGTGCCAAAGAAGTAAACCTTTCCAAGGAAGTAC[G>A]TACTGATGTACAGTATAAGAATAATAAATCTTATGTTTCTAAAATAAGTTCTGATTGTGA-3'
Protein context (NP_065974.1, residues 425-445): AKEVNLSKEV[Arg435His]TDVQYKNNKS